The following is an entry in ClinVar:

ClinVar aggregate classification (germline): Benign/Likely benign. Review status: criteria provided, multiple submitters, no conflicts (2 of 4 stars). 4 submissions from 4 submitters: Benign (3); Likely benign (1). Last evaluated 2024-10-19.

Allele frequency attached by ClinVar (database versions not stated): TOPMed 0.00001; 1000 Genomes Project 30x 0.00094; 1000 Genomes Project 0.00100.

Submissions (4):

Labcorp Genetics (formerly Invitae), Labcorp
Classification: Benign. Last evaluated: 2024-10-19. Review status: criteria provided, single submitter. Criteria: Invitae Variant Classification Sherloc (09022015). Collection method: clinical testing. Allele origin: germline.

CeGaT Center for Human Genetics Tuebingen
Classification: Likely benign. Last evaluated: 2024-03-01. Review status: criteria provided, single submitter. Criteria: CeGaT Center For Human Genetics Tuebingen Variant Classification Criteria Version 2. Collection method: clinical testing. Allele origin: germline. Affected: yes. Observed: 1 variant allele.
Comment: TPRN: BP4, BP7

GeneDx
Classification: Benign. Last evaluated: 2020-03-26. Review status: criteria provided, single submitter. Criteria: GeneDx Variant Classification Process June 2021. Collection method: clinical testing. Allele origin: germline. Affected: yes.

Eurofins Ntd Llc (ga)
Classification: Benign. Last evaluated: 2016-12-06. Review status: criteria provided, single submitter. Criteria: EGL Classification Definitions 2015. Collection method: clinical testing. Allele origin: germline. Observed: 1 variant allele, 1 heterozygote.

NM_001128228.3(TPRN):c.894G>A (p.Glu298=)

Gene: TPRN (taperin; minus strand). Cytogenetic location: 9q34.3.
Variant type: single nucleotide variant.
Coding change: c.894G>A on transcript NM_001128228.3 (MANE Select); coding-DNA position 894, G replaced by A.
Protein change: p.Glu298=; no amino-acid change (glutamic acid 298 retained).
Molecular consequence: synonymous variant.
Genome position (GRCh38, 1-based): chr9:137,199,818, C>T on the plus strand (G>A on the coding strand, the complement: TPRN is on the minus strand). VCF-style: chr9-137199818-C-T. GRCh37 (hg19) VCF-style: chr9-140094270-C-T.
Identifiers: ClinVar variation 498533 (VCV000498533.32), dbSNP rs539737661, ClinGen allele CA5362865.